The following is an entry in ClinVar:

ClinVar aggregate classification (germline): Uncertain significance (1 of 4 stars; one submission).

Submission:

GeneDx
Classification: Uncertain significance. Last evaluated: 2024-11-26. Review status: criteria provided, single submitter. Criteria: GeneDx Variant Classification Process June 2021. Collection method: clinical testing. Allele origin: germline. Affected: yes.
Comment: Not observed at significant frequency in large population cohorts (gnomAD); In silico analysis supports that this missense variant has a deleterious effect on protein structure/function; Has not been previously published as pathogenic or benign to our knowledge

NM_006922.4(SCN3A):c.1412A>G (p.Asp471Gly)

Gene: SCN3A (sodium voltage-gated channel alpha subunit 3; minus strand). Cytogenetic location: 2q24.3.
Variant type: single nucleotide variant.
Coding change: c.1412A>G on transcript NM_006922.4 (MANE Select); coding-DNA position 1412, A replaced by G.
Protein change: p.Asp471Gly; replaces aspartic acid 471 with glycine.
Molecular consequence: missense variant.
Genome position (GRCh38, 1-based): chr2:165,146,998, T>C on the plus strand (A>G on the coding strand, the complement: SCN3A is on the minus strand). VCF-style: chr2-165146998-T-C. GRCh37 (hg19) VCF-style: chr2-166003508-T-C.
Other names: c.1412A>G, p.Asp471Gly (NM_001081676.2, NM_001081677.2); short protein forms D471G.
Identifiers: ClinVar variation 3900163 (VCV003900163.1).